The following is an entry in ClinVar:

NM_000492.4(CFTR):c.1210G>C (p.Gly404Arg)

Genes: CFTR (CF transmembrane conductance regulator; plus strand), CFTR-AS1 (CFTR antisense RNA 1; minus strand). Cytogenetic location: 7q31.2.
Variant type: single nucleotide variant.
Coding change: c.1210G>C on transcript NM_000492.4 (MANE Select); coding-DNA position 1210, G replaced by C.
Protein change: p.Gly404Arg; replaces glycine 404 with arginine.
Molecular consequence: missense variant.
Genome position (GRCh38, 1-based): chr7:117,548,641, G>C. VCF-style: chr7-117548641-G-C. GRCh37 (hg19) VCF-style: chr7-117188695-G-C.
Other names: short protein forms G404R.
Identifiers: ClinVar variation 495893 (VCV000495893.19), dbSNP rs200899224, ClinGen allele CA4450954.

ClinVar aggregate classification (germline): Uncertain significance. Review status: criteria provided, multiple submitters, no conflicts (2 of 4 stars). 9 submissions from 9 submitters: Uncertain significance (8). 1 of the submissions does not count toward it. Last evaluated 2026-07-24.

Conditions:
Cystic fibrosis (CF). Also called: MUCOVISCIDOSIS. Identifiers: Orphanet 586, MedGen C0010674, MONDO:0009061, OMIM 219700. Disease mechanism: loss of function.
CFTR-related disorder (CFTR-RD). Also called: CFTR-related disorders; CFTR-related condition. Identifiers: MedGen C5924204, MONDO:7770004.

Allele frequency attached by ClinVar (database versions not stated): TOPMed 0.00005; ExAC 0.00011; gnomAD exomes 0.00009; gnomAD 0.00004.
gnomAD v4.1: 305 of 1,611,490 alleles (0.019%); highest among the groups gnomAD compares: Non-Finnish European, 0.025%; 2 homozygotes.

Submissions (9):

PreventionGenetics, part of Exact Sciences
Classification: Uncertain significance for CFTR-related condition. Last evaluated: 2026-07-24. Review status: criteria provided, single submitter. Criteria: ACMG Guidelines, 2015. Collection method: clinical testing. Allele origin: germline.
Comment: The CFTR c.1210G>C variant is predicted to result in the amino acid substitution p.Gly404Arg. This variant has been reported in the heterozygous state without a second identified CFTR variant in an individual with abnormal screening results for CFTR (Supplemental Data, Skov et al. 2019. PubMed ID: 31682332). It has also been reported in a cohort of individuals that underwent CFTR gene sequencing, although genotype and phenotype information that could help establish pathogenicity was not provided (Additional File 1, Ridge et al. 2013. PubMed ID: 23343000). This variant is reported in 0.017% of alleles in individuals of European (Non-Finnish) descent in gnomAD. At this time, the clinical significance of this variant is uncertain due to the absence of conclusive functional and genetic evidence.

GeneDx
Classification: Uncertain significance. Last evaluated: 2026-04-01. Review status: criteria provided, single submitter. Criteria: GeneDx Variant Classification Process June 2021. Collection method: clinical testing. Allele origin: germline.
Comment: In silico analysis suggests that this missense variant does not alter protein structure/function; This variant is associated with the following publications: (PMID: 31682332, 23343000)

Ambry Genetics
Classification: Uncertain significance for Cystic fibrosis. Last evaluated: 2025-06-11. Review status: criteria provided, single submitter. Criteria: Ambry Variant Classification Scheme 2023. Collection method: clinical testing. Allele origin: germline.
Comment: The p.G404R variant (also known as c.1210G>C) is located in coding exon 10 of the CFTR gene. The glycine at codon 404 is replaced by arginine, an amino acid with dissimilar properties. This change occurs in the first base pair of coding exon 10. This amino acid position is well conserved in available vertebrate species. In addition, this alteration is predicted to be deleterious by in silico analysis. Based on the available evidence, the clinical significance of this variant remains unclear.

Labcorp Genetics (formerly Invitae), Labcorp
Classification: Uncertain significance for Cystic fibrosis. Last evaluated: 2024-12-17. Review status: criteria provided, single submitter. Criteria: Invitae Variant Classification Sherloc (09022015). Collection method: clinical testing. Allele origin: germline.
Comment: This sequence change replaces glycine, which is neutral and non-polar, with arginine, which is basic and polar, at codon 404 of the CFTR protein (p.Gly404Arg). The frequency data for this variant in the population databases is considered unreliable, as metrics indicate poor data quality at this position in the gnomAD database. This variant has not been reported in the literature in individuals affected with CFTR-related conditions. ClinVar contains an entry for this variant (Variation ID: 495893). An algorithm developed to predict the effect of missense changes on protein structure and function (PolyPhen-2) suggests that this variant¬†is likely to be tolerated. In summary, the available evidence is currently insufficient to determine the role of this variant in disease. Therefore, it has been classified as a Variant of Uncertain Significance.

ARUP Laboratories, Molecular Genetics and Genomics, ARUP Laboratories
Classification: Uncertain significance. Last evaluated: 2023-02-13. Review status: criteria provided, single submitter. Criteria: ARUP Molecular Germline Variant Investigation Process 2024. Collection method: clinical testing. Allele origin: germline.
Comment: The CFTR c.1210G>C; p.Gly404Arg variant (rs200899224), is reported in the literature in a cohort of individuals undergoing testing for cystic fibrosis (Ridge 2013), and in a newborn screen study (Skov 2020). This variant is also reported in ClinVar (Variation ID: 495893). It is observed in the general population with an overall allele frequency of 0.008% (23/278104 alleles) in the Genome Aggregation Database. Computational analyses are uncertain whether this variant is neutral or deleterious (REVEL: 0.601). Due to limited information, the clinical significance of this variant is uncertain at this time. References: Ridge PG et al., Miller C, Bayrak-Toydemir P, Best DH, Mao R, Swensen JJ, Lyon E, Voelkerding KV. Cystic fibrosis testing in a referral laboratory: results and lessons from a six-year period. J Clin Bioinforma. 2013 Jan 23;3(1):3. PMID: 23343000. Skov M et al. Cystic fibrosis newborn screening in Denmark: Experience from the first 2 years. Pediatr Pulmonol. 2020 Feb;55(2):549-555. PMID: 31682332.

Women's Health and Genetics/Laboratory Corporation of America, LabCorp
Classification: Uncertain significance. Last evaluated: 2022-02-25. Review status: criteria provided, single submitter. Criteria: LabCorp Variant Classification Summary - May 2015. Collection method: clinical testing. Allele origin: germline.
Comment: Variant summary: CFTR c.1210G>C (p.Gly404Arg) results in a non-conservative amino acid change in the encoded protein sequence. Four of five in-silico tools predict a damaging effect of the variant on protein function. 4/4 computational tools predict no significant impact on normal splicing. However, these predictions have yet to be confirmed by functional studies. The variant allele was found at a frequency of 8.9e-05 in 246874 control chromosomes (gnomAD). This frequency is not higher than expected for a pathogenic variant in CFTR causing Cystic Fibrosis (8.9e-05 vs 0.013), allowing no conclusion about variant significance. c.1210G>C has been reported in the literature in a heterozygote following newborn screening (Skov_2020). This report does not provide unequivocal conclusions about association of the variant with Cystic Fibrosis. To our knowledge, no experimental evidence demonstrating an impact on protein function has been reported. Four ClinVar submitters (evaluation after 2014) cite the variant as uncertain significance. Based on the evidence outlined above, the variant was classified as uncertain significance.

Genome-Nilou Lab
Classification: Uncertain significance for Cystic fibrosis. Last evaluated: 2021-09-05. Review status: criteria provided, single submitter. Criteria: ACMG Guidelines, 2015. Collection method: clinical testing. Allele origin: germline. Affected: no.

Johns Hopkins Genomics, Johns Hopkins University
Classification: Uncertain significance for Cystic fibrosis. Last evaluated: 2019-10-19. Review status: criteria provided, single submitter. Criteria: ACMG Guidelines, 2015. Collection method: clinical testing. Allele origin: germline.
Comment: This CFTR variant (rs200899224) is rare (<0.1%) in large population datasets1,2 (gnomAD: 23/278104 total alleles; 0.00827%; no homozygotes). One submitter in ClinVar classifies the clinical significance of this variant as uncertain. This variant affects the first nucleotide of exon 10 (legacy exon 9), however bioinformatics tools do not predict that this variant will have a significant affect on exon 10 splicing. This has not been confirmed experimentally, to our knowledge. Of two bioinformatics tools queried, one predicts that this amino acid substitution would be probably damaging while the second predicts it would be tolerated. The glycine residue at this position is highly conserved across the species assessed. We consider the clinical significance of c.1210G>C uncertain at this time.

Natera, Inc.
Classification: Uncertain significance for CFTR-related disorders. Last evaluated: 2018-05-30. Review status: no assertion criteria provided. Collection method: clinical testing. Allele origin: germline. Not counted in ClinVar's aggregate classification.

Literature cited by the submitters: PubMed 23343000 (cited by Ambry Genetics and Women's Health and Genetics/Laboratory Corporation of America, LabCorp); PubMed 31682332 (cited by Women's Health and Genetics/Laboratory Corporation of America, LabCorp).